The following is an entry in ClinVar:

NM_001387274.1(DCDC1):c.1955A>G (p.Asp652Gly)

Gene: DCDC1 (doublecortin domain containing 1; minus strand). Cytogenetic location: 11p13.
Variant type: single nucleotide variant.
Coding change: c.1955A>G on transcript NM_001387274.1 (MANE Select); coding-DNA position 1955, A replaced by G.
Protein change: p.Asp652Gly; replaces aspartic acid 652 with glycine.
Molecular consequence: missense variant. On other transcripts: non-coding transcript variant (1).
Genome position (GRCh38, 1-based): chr11:31,102,205, T>C on the plus strand (A>G on the coding strand, the complement: DCDC1 is on the minus strand). VCF-style: chr11-31102205-T-C. GRCh37 (hg19) VCF-style: chr11-31123752-T-C.
Other names: NM_001350255.1:c.812A>G; c.1955A>G, p.Asp652Gly (NM_001367979.1); short protein forms D652G.
Identifiers: ClinVar variation 3044015 (VCV003044015.2), dbSNP rs183555899, ClinGen allele CA5932248.

ClinVar aggregate classification (germline): Likely benign (0 of 4 stars; one submission).

Conditions:
DCDC1-related disorder. Also called: DCDC1-related condition.

Allele frequency attached by ClinVar (database versions not stated): ESP Exome Variant Server 0.00416; gnomAD exomes 0.00435; ExAC 0.00737; 1000 Genomes Project 0.00280; TOPMed 0.00285; 1000 Genomes Project 30x 0.00297; gnomAD 0.00352.
gnomAD v4.1: 3,034 of 730,176 alleles (0.42%); highest among the groups gnomAD compares: Non-Finnish European, 0.54%; 15 homozygotes.

Submission:

PreventionGenetics, part of Exact Sciences
Classification: Likely benign for DCDC1-related condition. Last evaluated: 2019-08-15. Review status: no assertion criteria provided. Collection method: clinical testing. Allele origin: germline.
Comment: This variant is classified as likely benign based on ACMG/AMP sequence variant interpretation guidelines (Richards et al. 2015 PMID: 25741868, with internal and published modifications).